The following is an entry in ClinVar:

ClinVar aggregate classification (germline): Uncertain significance (1 of 4 stars; one submission).

Allele frequency attached by ClinVar (database versions not stated): TOPMed below 0.00001; gnomAD 0.00001.
gnomAD v4.1: 2 of 1,613,444 alleles (0.00012%); highest among the groups gnomAD compares: African/African-American, 0.0027%; no homozygotes.

Submission:

Labcorp Genetics (formerly Invitae), Labcorp
Classification: Uncertain significance. Last evaluated: 2020-12-16. Review status: criteria provided, single submitter. Criteria: Invitae Variant Classification Sherloc (09022015). Collection method: clinical testing. Allele origin: germline.
Comment: In summary, the available evidence is currently insufficient to determine the role of this variant in disease. Therefore, it has been classified as a Variant of Uncertain Significance. Algorithms developed to predict the effect of missense changes on protein structure and function are either unavailable or do not agree on the potential impact of this missense change (SIFT: "Not Available"; PolyPhen-2: "Probably Damaging"; Align-GVGD: "Not Available"). This variant has not been reported in the literature in individuals with TANGO2-related conditions. This variant is not present in population databases (ExAC no frequency). This sequence change replaces leucine with arginine at codon 221 of the TANGO2 protein (p.Leu221Arg). The leucine residue is highly conserved and there is a moderate physicochemical difference between leucine and arginine.

NM_152906.7(TANGO2):c.662T>G (p.Leu221Arg)

Gene: TANGO2 (transport and golgi organization 2 homolog; plus strand). Cytogenetic location: 22q11.21.
Variant type: single nucleotide variant.
Coding change: c.662T>G on transcript NM_152906.7 (MANE Select); coding-DNA position 662, T replaced by G.
Protein change: p.Leu221Arg; replaces leucine 221 with arginine.
Molecular consequence: missense variant. On other transcripts: synonymous variant (5), stop lost (1), non-coding transcript variant (5), intron variant (1).
Genome position (GRCh38, 1-based): chr22:20,063,394, T>G. VCF-style: chr22-20063394-T-G. GRCh37 (hg19) VCF-style: chr22-20050917-T-G.
Other names: c.662T>G, p.Leu221Arg (NM_001283106.3, NM_001283116.3, NM_001322142.2); c.785T>G, p.Leu262Arg (NM_001283129.3, NM_001322141.2, NM_001322143.2); c.660T>G, p.Ala220= (NM_001283148.3, NM_001283154.3); c.476T>G, p.Leu159Arg (NM_001283179.3, NM_001283186.3, NM_001322163.2 and 2 more transcripts); c.437T>G, p.Leu146Arg (NM_001283199.3); c.368T>G, p.Leu123Arg (NM_001283235.3, NM_001322150.2, NM_001322153.2 and 6 more transcripts); c.322T>G, p.Ter108Gly (NM_001283248.3); c.783T>G, p.Ala261= (NM_001322144.2); and 5 more; short protein forms L159R, L187R, L262R, L123R, L200R, L221R, L146R.
Identifiers: ClinVar variation 1494100 (VCV001494100.4), dbSNP rs2048741506, ClinGen allele CA410700350.
Genomic context (GRCh38, chr22:20,063,394, plus strand): 5'-GCAGGCAGCTGCCAGACCCGGCCATCGAGGACCAGGGTGGGGAGTACGTGCAGCCCATGC[T>G]GAGCAAGTACGCGGCTGTGTGCGTGCGCTGCCCTGGCTACGGCACCAGGTATTGCAGCAC-3'
Protein context (NP_690870.3, residues 211-231): DQGGEYVQPM[Leu221Arg]SKYAAVCVRC